The following is an entry in ClinVar:

NM_004360.5(CDH1):c.2595G>C (p.Trp865Cys)

Gene: CDH1 (cadherin 1; plus strand). Cytogenetic location: 16q22.1.
Variant type: single nucleotide variant.
Coding change: c.2595G>C on transcript NM_004360.5 (MANE Select); coding-DNA position 2595, G replaced by C.
Protein change: p.Trp865Cys; replaces tryptophan 865 with cysteine.
Molecular consequence: missense variant.
Genome position (GRCh38, 1-based): chr16:68,833,445, G>C. VCF-style: chr16-68833445-G-C. GRCh37 (hg19) VCF-style: chr16-68867348-G-C.
Other names: c.2595G>C (LRG_301t1); c.2412G>C, p.Trp804Cys (NM_001317184.2); c.1047G>C, p.Trp349Cys (NM_001317185.2); c.630G>C, p.Trp210Cys (NM_001317186.2); short protein forms W865C, W349C, W804C, W210C.
Identifiers: ClinVar variation 216595 (VCV000216595.28), dbSNP rs778019174, ClinGen allele CA337184.

ClinVar aggregate classification (germline): Uncertain significance. Review status: criteria provided, multiple submitters, no conflicts (2 of 4 stars). 9 submissions from 8 submitters: Uncertain significance (9). Last evaluated 2026-07-17.

Conditions:
Blepharocheilodontic syndrome 1 (BCDS1). Identifiers: Orphanet 1997, MedGen C4551988, MONDO:0054740, OMIM 119580.
Hereditary diffuse gastric adenocarcinoma (HDGC). Also called: DIFFUSE GASTRIC AND LOBULAR BREAST CANCER SYNDROME. Identifiers: Orphanet 26106, MedGen C1708349, MONDO:0007648, OMIM 137215.
Endometrial carcinoma. Also called: Endometrial carcinoma, somatic. Identifiers: MedGen C0476089, MONDO:0002447, OMIM 608089, HP:0012114.
Ovarian neoplasm. Also called: Neoplasm of ovary; Ovarian tumor; Ovarian Neoplasms. Identifiers: MedGen C0919267, MeSH D010051, MONDO:0021068, HP:0100615.
Prostate cancer. Also called: Malignant tumor of prostate. Identifiers: Orphanet 1331, MedGen C0376358, MONDO:0008315, HP:0012125.
Familial cancer of breast. Also called: hereditary breast carcinoma; BREAST CANCER, FAMILIAL; Hereditary breast cancer. Identifiers: Orphanet 227535, MedGen C0346153, MONDO:0016419, OMIM 114480. Disease mechanism: loss of function.
CDH1-related diffuse gastric and lobular breast cancer syndrome. Also called: CDH1-related diffuse gastric and lobular breast cancer. Identifiers: MedGen CN311521, MONDO:0100488.
Hereditary cancer-predisposing syndrome. Also called: Hereditary neoplastic syndrome; Hereditary Cancer Syndrome; Neoplastic Syndromes, Hereditary; Tumor predisposition. Identifiers: Orphanet 140162, MedGen C0027672, MeSH D009386, MONDO:0015356.

Allele frequency attached by ClinVar (database versions not stated): gnomAD 0.00001; gnomAD exomes 0.00001 and 0.00002; ExAC 0.00002.
gnomAD v4.1: 7 of 1,614,136 alleles (0.00043%); highest among the groups gnomAD compares: South Asian, 0.0033%; no homozygotes.

Submissions (9):

Ambry Genetics
Classification: Uncertain significance for Hereditary cancer-predisposing syndrome. Last evaluated: 2026-07-17. Review status: criteria provided, single submitter. Criteria: Ambry Variant Classification Scheme 2023. Collection method: clinical testing. Allele origin: germline.
Comment: The p.W865C variant (also known as c.2595G>C), located in coding exon 16 of the CDH1 gene, results from a G to C substitution at nucleotide position 2595. The tryptophan at codon 865 is replaced by cysteine, an amino acid with highly dissimilar properties. This variant was detected as heterozygous in individuals with no reported features of CDH1-related diffuse gastric and lobular breast cancer (Ambry internal data). This amino acid position is highly conserved in available vertebrate species. In addition, this alteration is predicted to be deleterious by in silico analysis. Based on the available evidence, the clinical significance of this variant remains unclear.

Labcorp Genetics (formerly Invitae), Labcorp
Classification: Uncertain significance for Hereditary diffuse gastric adenocarcinoma. Last evaluated: 2025-12-09. Review status: criteria provided, single submitter. Criteria: Invitae Variant Classification Sherloc (09022015). Collection method: clinical testing. Allele origin: germline.
Comment: This sequence change replaces tryptophan, which is neutral and slightly polar, with cysteine, which is neutral and slightly polar, at codon 865 of the CDH1 protein (p.Trp865Cys). This variant is present in population databases (rs778019174, gnomAD 0.006%). This missense change has been observed in individual(s) with colorectal cancer and/or ovarian cancer (PMID: 31742824, 32283892). ClinVar contains an entry for this variant (Variation ID: 216595). An algorithm developed to predict the effect of missense changes on protein structure and function (PolyPhen-2) suggests that this variant is likely to be disruptive. In summary, the available evidence is currently insufficient to determine the role of this variant in disease. Therefore, it has been classified as a Variant of Uncertain Significance.

Center for Genomic Medicine, Rigshospitalet, Copenhagen University Hospital
Classification: Uncertain significance. Last evaluated: 2025-03-04. Review status: criteria provided, single submitter. Criteria: ACMG Guidelines, 2015. Collection method: clinical testing. Allele origin: germline.

KCCC/NGS Laboratory, Kuwait Cancer Control Center
Classification: Uncertain significance for Familial cancer of breast. Last evaluated: 2023-07-07. Review status: criteria provided, single submitter. Criteria: ACMG Guidelines, 2015. Collection method: clinical testing. Allele origin: unknown. Affected: yes.
Comment: This sequence change replaces tryptophan, which is neutral and slightly polar, with cysteine, which is neutral and slightly polar, at codon 865 of the CDH1 protein (p.Trp865Cys).This amino acid position is highly conserved (PhyloP=9.71) . This variant is present in population databases (rs778019174, gnomAD 0.006%). This alteration has been identified via multi-gene panel testing for hereditary cancer risk assessment in a Turkish colorectal cancer cohort and a Chinese breast and/or ovarian cancer cohort (Erdem HB et al. Turk J Med Sci, 2020 06;50:1015-1021; Shao D et al. Cancer Sci, 2020 Feb;111:647-657).. ClinVar contains an entry for this variant (Variation ID: 216595). Algorithms developed to predict the effect of missense changes on protein structure and function are either unavailable or do not agree on the potential impact of this missense change (SIFT: "Deleterious"; PolyPhen-2: "Probably Damaging"). In summary, the available evidence is currently insufficient to determine the role of this variant in disease. Therefore, it has been classified as a Variant of Uncertain Significance.

KCCC/NGS Laboratory, Kuwait Cancer Control Center
Classification: Uncertain significance for Hereditary cancer-predisposing syndrome. Last evaluated: 2023-07-05. Review status: criteria provided, single submitter. Criteria: ACMG Guidelines, 2015. Collection method: clinical testing. Allele origin: unknown. Inheritance: Autosomal dominant inheritance. Affected: yes. Observed: 1 heterozygote.
Comment: This sequence change replaces tryptophan, which is neutral and slightly polar, with cysteine, which is neutral and slightly polar, at codon 865 of the CDH1 protein (p.Trp865Cys).This amino acid position is highly conserved (PhyloP=9.71) . This variant is present in population databases (rs778019174, gnomAD 0.006%). This alteration has been identified via multi-gene panel testing for hereditary cancer risk assessment in a Turkish colorectal cancer cohort and a Chinese breast and/or ovarian cancer cohort (Erdem HB et al. Turk J Med Sci, 2020 06;50:1015-1021; Shao D et al. Cancer Sci, 2020 Feb;111:647-657).. ClinVar contains an entry for this variant (Variation ID: 216595). Algorithms developed to predict the effect of missense changes on protein structure and function are either unavailable or do not agree on the potential impact of this missense change (SIFT: "Deleterious"; PolyPhen-2: "Probably Damaging"). In summary, the available evidence is currently insufficient to determine the role of this variant in disease. Therefore, it has been classified as a Variant of Uncertain Significance. Heterozygous variants in the CDH1 gene cause increased

Blueprint Genetics
Classification: Uncertain significance. Last evaluated: 2022-10-07. Review status: criteria provided, single submitter. Criteria: ACMG Guidelines, 2015. Collection method: clinical testing. Allele origin: germline.

Department of Pathology and Laboratory Medicine, Sinai Health System
Classification: Uncertain significance for CDH1-related diffuse gastric and lobular breast cancer syndrome. Last evaluated: 2019-11-05. Review status: criteria provided, single submitter. Criteria: ACMG Guidelines, 2015. Collection method: clinical testing. Allele origin: germline.

Color Diagnostics, LLC DBA Color Health
Classification: Uncertain significance for Hereditary cancer-predisposing syndrome. Last evaluated: 2018-11-22. Review status: criteria provided, single submitter. Criteria: ACMG Guidelines, 2015. Collection method: clinical testing. Allele origin: germline.

Fulgent Genetics
Classification: Uncertain significance for Familial cancer of breast; Blepharocheilodontic syndrome 1; Hereditary diffuse gastric adenocarcinoma; Ovarian cancer; Familial prostate cancer; Endometrial carcinoma. Last evaluated: 2018-10-31. Review status: criteria provided, single submitter. Criteria: ACMG Guidelines, 2015. Collection method: clinical testing. Allele origin: unknown.

Literature cited by the submitters: PubMed 31742824 (cited by 3 submitters); PubMed 32283892 (cited by 3 submitters); PubMed 32658311 (cited by Ambry Genetics and Center for Genomic Medicine, Rigshospitalet, Copenhagen University Hospital); PubMed 36605468 (cited by Ambry Genetics).